The following is an entry in ClinVar:

NM_004006.3(DMD):c.4319T>A (p.Val1440Asp)

Gene: DMD (dystrophin; minus strand). Cytogenetic location: Xp21.1.
Variant type: single nucleotide variant.
Coding change: c.4319T>A on transcript NM_004006.3 (MANE Select); coding-DNA position 4319, T replaced by A.
Protein change: p.Val1440Asp; replaces valine 1440 with aspartic acid.
Molecular consequence: missense variant.
Genome position (GRCh38, 1-based): chrX:32,390,096, A>T on the plus strand (T>A on the coding strand, the complement: DMD is on the minus strand). VCF-style: chrX-32390096-A-T. GRCh37 (hg19) VCF-style: chrX-32408213-A-T.
Other names: c.4295T>A, p.Val1432Asp (NM_000109.4); c.4307T>A, p.Val1436Asp (NM_004009.3); c.3950T>A, p.Val1317Asp (NM_004010.3); c.296T>A, p.Val99Asp (NM_004011.4); c.287T>A, p.Val96Asp (NM_004012.4); short protein forms V1440D, V96D, V1432D, V1436D, V1317D, V99D.
Identifiers: ClinVar variation 2103212 (VCV002103212.4), dbSNP rs2523132495, ClinGen allele CA412663957.

ClinVar aggregate classification (germline): Uncertain significance (1 of 4 stars; one submission).

Conditions:
Duchenne muscular dystrophy (DMD). Also called: MUSCULAR DYSTROPHY, PSEUDOHYPERTROPHIC PROGRESSIVE, DUCHENNE TYPE; Duchenne Muscular Dystrophy (DMD). Identifiers: Orphanet 98896, MedGen C0013264, MONDO:0010679, OMIM 310200.

Submission:

Labcorp Genetics (formerly Invitae), Labcorp
Classification: Uncertain significance for Duchenne muscular dystrophy. Last evaluated: 2022-02-25. Review status: criteria provided, single submitter. Criteria: Invitae Variant Classification Sherloc (09022015). Collection method: clinical testing. Allele origin: germline.
Comment: This sequence change replaces valine, which is neutral and non-polar, with aspartic acid, which is acidic and polar, at codon 1440 of the DMD protein (p.Val1440Asp). This variant is not present in population databases (gnomAD no frequency). This variant has not been reported in the literature in individuals affected with DMD-related conditions. In summary, the available evidence is currently insufficient to determine the role of this variant in disease. Therefore, it has been classified as a Variant of Uncertain Significance. Algorithms developed to predict the effect of missense changes on protein structure and function (SIFT, PolyPhen-2, Align-GVGD) all suggest that this variant is likely to be disruptive.